The following is an entry in ClinVar:

NM_004153.4(ORC1):c.2048A>T (p.Tyr683Phe)

Gene: ORC1 (origin recognition complex subunit 1; minus strand). Cytogenetic location: 1p32.3.
Variant type: single nucleotide variant.
Coding change: c.2048A>T on transcript NM_004153.4 (MANE Select); coding-DNA position 2048, A replaced by T.
Protein change: p.Tyr683Phe; replaces tyrosine 683 with phenylalanine.
Molecular consequence: missense variant.
Genome position (GRCh38, 1-based): chr1:52,381,727, T>A on the plus strand (A>T on the coding strand, the complement: ORC1 is on the minus strand). VCF-style: chr1-52381727-T-A. GRCh37 (hg19) VCF-style: chr1-52847399-T-A.
Other names: c.2048A>T, p.Tyr683Phe (NM_001190818.2); c.2033A>T, p.Tyr678Phe (NM_001190819.2); c.2048A>T (NM_004153.3); short protein forms Y683F, Y678F.
Identifiers: ClinVar variation 1916052 (VCV001916052.6), dbSNP rs1187115382, ClinGen allele CA340350290.

ClinVar aggregate classification (germline): Uncertain significance. Review status: criteria provided, multiple submitters, no conflicts (2 of 4 stars). 2 submissions from 2 submitters: Uncertain significance (2). Last evaluated 2025-06-18.

Conditions:
Inborn genetic diseases. Identifiers: MedGen C0950123, MeSH D030342.

Allele frequency attached by ClinVar (database versions not stated): TOPMed below 0.00001.
gnomAD v4.1: 2 of 1,613,534 alleles (0.00012%); highest among the groups gnomAD compares: Non-Finnish European, 0.000085%; no homozygotes.

Submissions (2):

Ambry Genetics
Classification: Uncertain significance for Inborn genetic diseases. Last evaluated: 2025-06-18. Review status: criteria provided, single submitter. Criteria: Ambry Variant Classification Scheme 2023. Collection method: clinical testing. Allele origin: germline.

Labcorp Genetics (formerly Invitae), Labcorp
Classification: Uncertain significance. Last evaluated: 2022-10-17. Review status: criteria provided, single submitter. Criteria: Invitae Variant Classification Sherloc (09022015). Collection method: clinical testing. Allele origin: germline.
Comment: This sequence change replaces tyrosine, which is neutral and polar, with phenylalanine, which is neutral and non-polar, at codon 683 of the ORC1 protein (p.Tyr683Phe). This variant is present in population databases (no rsID available, gnomAD 0.0009%). This variant has not been reported in the literature in individuals affected with ORC1-related conditions. Advanced modeling of protein sequence and biophysical properties (such as structural, functional, and spatial information, amino acid conservation, physicochemical variation, residue mobility, and thermodynamic stability) performed at Invitae indicates that this missense variant is not expected to disrupt ORC1 protein function. In summary, the available evidence is currently insufficient to determine the role of this variant in disease. Therefore, it has been classified as a Variant of Uncertain Significance.